The following is an entry in ClinVar:

NM_003791.4(MBTPS1):c.2432-1G>C

Gene: MBTPS1 (membrane bound transcription factor peptidase, site 1; minus strand). Cytogenetic location: 16q23.3.
Variant type: single nucleotide variant.
Coding change: c.2432-1G>C on transcript NM_003791.4 (MANE Select); the canonical splice acceptor site of the intron before coding-DNA position 2432, G replaced by C.
Molecular consequence: splice acceptor variant.
Genome position (GRCh38, 1-based): chr16:84,063,446, C>G on the plus strand (G>C on the coding strand, the complement: MBTPS1 is on the minus strand). VCF-style: chr16-84063446-C-G. GRCh37 (hg19) VCF-style: chr16-84097051-C-G.
Identifiers: ClinVar variation 4734111 (VCV004734111.1).

ClinVar aggregate classification (germline): Likely pathogenic (1 of 4 stars; one submission).

Submission:

Labcorp Genetics (formerly Invitae), Labcorp
Classification: Likely pathogenic. Last evaluated: 2026-01-04. Review status: criteria provided, single submitter. Criteria: Invitae Variant Classification Sherloc (09022015). Collection method: clinical testing. Allele origin: germline.
Comment: This sequence change affects an acceptor splice site in intron 18 of the MBTPS1 gene. It is expected to disrupt RNA splicing. Variants that disrupt the donor or acceptor splice site typically lead to a loss of protein function (PMID: 16199547), and loss-of-function variants in MBTPS1 are known to be pathogenic (PMID: 30046013). This variant is not present in population databases (gnomAD no frequency). This variant has not been reported in the literature in individuals affected with MBTPS1-related conditions. Algorithms developed to predict the effect of sequence changes on RNA splicing suggest that this variant may disrupt the consensus splice site. In summary, the currently available evidence indicates that the variant is pathogenic, but additional data are needed to prove that conclusively. Therefore, this variant has been classified as Likely Pathogenic.

Literature cited by the submitters: PubMed 16199547; PubMed 30046013.